The following is an entry in ClinVar:

ClinVar aggregate classification (germline): Uncertain significance (1 of 4 stars; one submission).

Conditions:
Myofibrillar myopathy 5. Also called: FILAMINOPATHY, AUTOSOMAL DOMINANT; Filaminopathy (type). Identifiers: Orphanet 171445, MedGen C1836050, MONDO:0012289, OMIM 609524.
Distal myopathy with posterior leg and anterior hand involvement. Also called: WILLIAMS DISTAL MYOPATHY. Identifiers: Orphanet 63273, MedGen C3279722, MONDO:0013550, OMIM 614065.
Hypertrophic cardiomyopathy 26. Also called: Cardiomyopathy, familial hypertrophic, 26. Identifiers: Orphanet 75249, MedGen C4310749, MONDO:0014883, OMIM 617047.

Allele frequency attached by ClinVar (database versions not stated): gnomAD exomes below 0.00001.
gnomAD v4.1: 1 of 1,613,928 alleles (0.000062%); highest among the groups gnomAD compares: East Asian, 0.0022%; no homozygotes.

Submission:

Labcorp Genetics (formerly Invitae), Labcorp
Classification: Uncertain significance for Distal myopathy with posterior leg and anterior hand involvement; Myofibrillar myopathy 5; Hypertrophic cardiomyopathy 26. Last evaluated: 2019-01-20. Review status: criteria provided, single submitter. Criteria: Invitae Variant Classification Sherloc (09022015). Collection method: clinical testing. Allele origin: germline.
Comment: This sequence change replaces proline with leucine at codon 1941 of the FLNC protein (p.Pro1941Leu). The proline residue is highly conserved and there is a moderate physicochemical difference between proline and leucine. This variant is not present in population databases (ExAC no frequency). This variant has not been reported in the literature in individuals with FLNC-related conditions. Algorithms developed to predict the effect of missense changes on protein structure and function (SIFT, PolyPhen-2, Align-GVGD) all suggest that this variant is likely to be disruptive, but these predictions have not been confirmed by published functional studies and their clinical significance is uncertain. In summary, the available evidence is currently insufficient to determine the role of this variant in disease. Therefore, it has been classified as a Variant of Uncertain Significance.

NM_001458.5(FLNC):c.5822C>T (p.Pro1941Leu)

Genes: FLNC (filamin C; plus strand), FLNC-AS1 (FLNC antisense RNA 1; minus strand). Cytogenetic location: 7q32.1.
Variant type: single nucleotide variant.
Coding change: c.5822C>T on transcript NM_001458.5 (MANE Select); coding-DNA position 5822, C replaced by T.
Protein change: p.Pro1941Leu; replaces proline 1941 with leucine.
Molecular consequence: missense variant.
Genome position (GRCh38, 1-based): chr7:128,851,608, C>T. VCF-style: chr7-128851608-C-T. GRCh37 (hg19) VCF-style: chr7-128491662-C-T.
Other names: c.5723C>T, p.Pro1908Leu (NM_001127487.2); short protein forms P1908L, P1941L.
Identifiers: ClinVar variation 834311 (VCV000834311.10), dbSNP rs1808818042, ClinGen allele CA369208606.